The following is an entry in ClinVar:

ClinVar aggregate classification (germline): Uncertain significance. Review status: criteria provided, single submitter (1 of 4 stars). 2 submissions from 2 submitters: Uncertain significance (1). 1 of the submissions does not count toward it. Last evaluated 2020-02-21.

Conditions:
Luscan-Lumish syndrome. Identifiers: Orphanet 597738, MedGen C4085873, MONDO:0014791, OMIM 616831.

Allele frequency attached by ClinVar (database versions not stated): ExAC 0.00001; gnomAD 0.00001; gnomAD exomes 0.00004 and 0.00002; TOPMed 0.00002.
gnomAD v4.1: 55 of 1,613,952 alleles (0.0034%); highest among the groups gnomAD compares: Non-Finnish European, 0.0045%; no homozygotes.

Submissions (2):

Labcorp Genetics (formerly Invitae), Labcorp
Classification: Uncertain significance for Luscan-Lumish syndrome. Last evaluated: 2020-02-21. Review status: criteria provided, single submitter. Criteria: Invitae Variant Classification Sherloc (09022015). Collection method: clinical testing. Allele origin: germline.
Comment: This sequence change replaces serine with asparagine at codon 1044 of the SETD2 protein (p.Ser1044Asn). The serine residue is moderately conserved and there is a small physicochemical difference between serine and asparagine. This variant is present in population databases (rs587778673, ExAC 0.001%). This variant has not been reported in the literature in individuals with SETD2-related conditions. ClinVar contains an entry for this variant (Variation ID: 135233). Algorithms developed to predict the effect of missense changes on protein structure and function are either unavailable or do not agree on the potential impact of this missense change (SIFT: "Deleterious"; PolyPhen-2: "Benign"; Align-GVGD: "Class C0"). In summary, the available evidence is currently insufficient to determine the role of this variant in disease. Therefore, it has been classified as a Variant of Uncertain Significance.

ITMI
No classification provided. Condition: AllHighlyPenetrant. Last evaluated: 2013-09-19. Review status: no classification provided. Collection method: reference population. Allele origin: germline. Not counted in ClinVar's aggregate classification.
Comment: Please see associated publication for description of ethnicities

Literature cited by the submitters: PubMed 24728327 (cited by ITMI).

NM_014159.7(SETD2):c.3131G>A (p.Ser1044Asn)

Gene: SETD2 (SET domain containing 2, histone lysine methyltransferase; minus strand). Cytogenetic location: 3p21.31.
Variant type: single nucleotide variant.
Coding change: c.3131G>A on transcript NM_014159.7 (MANE Select); coding-DNA position 3131, G replaced by A.
Protein change: p.Ser1044Asn; replaces serine 1044 with asparagine.
Molecular consequence: missense variant. On other transcripts: non-coding transcript variant (1).
Genome position (GRCh38, 1-based): chr3:47,121,505, C>T on the plus strand (G>A on the coding strand, the complement: SETD2 is on the minus strand). VCF-style: chr3-47121505-C-T. GRCh37 (hg19) VCF-style: chr3-47162995-C-T.
Other names: c.2999G>A, p.Ser1000Asn (NM_001349370.3); short protein forms S1044N, S1000N.
Identifiers: ClinVar variation 135233 (VCV000135233.6), dbSNP rs587778673, ClinGen allele CA162092.
Genomic context (GRCh38, chr3:47,121,505, plus strand): 5'-TTTCTTGGAATACTGCTATCATCCGAATCTGTATCTTCTGAATCACTTTCATCATTTGAA[C>T]TTTCAGAAGAGCCAGAATAATCTTCATGAACTGTAGACACAATTTCTGGGGCATGACCAC-3'
Protein context (NP_054878.5, residues 1034-1054): VHEDYSGSSE[Ser1044Asn]SNDESDSEDT